The following is an entry in ClinVar:

NM_015295.3(SMCHD1):c.5235G>A (p.Leu1745=)

Gene: SMCHD1 (structural maintenance of chromosomes flexible hinge domain containing 1; plus strand). Cytogenetic location: 18p11.32.
Variant type: single nucleotide variant.
Coding change: c.5235G>A on transcript NM_015295.3 (MANE Select); coding-DNA position 5235, G replaced by A.
Protein change: p.Leu1745=; no amino-acid change (leucine 1745 retained).
Molecular consequence: synonymous variant.
Genome position (GRCh38, 1-based): chr18:2,775,793, G>A. VCF-style: chr18-2775793-G-A. GRCh37 (hg19) VCF-style: chr18-2775791-G-A.
Identifiers: ClinVar variation 2039793 (VCV002039793.4), dbSNP rs2510156323, ClinGen allele CA502673564.

ClinVar aggregate classification (germline): Uncertain significance (1 of 4 stars; one submission).

Conditions:
Facioscapulohumeral muscular dystrophy 2 (FSHD2). Also called: FACIOSCAPULOHUMERAL MUSCULAR DYSTROPHY 2, DIGENIC; FSHD2, DIGENIC; MUSCULAR DYSTROPHY, FACIOSCAPULOHUMERAL, TYPE 1B. Identifiers: Orphanet 269, MedGen C1834671, MONDO:0008031, OMIM 158901.

Allele frequency attached by ClinVar (database versions not stated): gnomAD exomes below 0.00001.
gnomAD v4.1: 1 of 1,613,516 alleles (0.000062%); highest among the groups gnomAD compares: Non-Finnish European, 0.000085%; no homozygotes.

Submission:

Labcorp Genetics (formerly Invitae), Labcorp
Classification: Uncertain significance for Facioscapulohumeral muscular dystrophy 2. Last evaluated: 2022-03-01. Review status: criteria provided, single submitter. Criteria: Invitae Variant Classification Sherloc (09022015). Collection method: clinical testing. Allele origin: germline.
Comment: In summary, the available evidence is currently insufficient to determine the role of this variant in disease. Therefore, it has been classified as a Variant of Uncertain Significance. Algorithms developed to predict the effect of sequence changes on RNA splicing suggest that this variant may create or strengthen a splice site. This variant has not been reported in the literature in individuals affected with SMCHD1-related conditions. This variant is not present in population databases (gnomAD no frequency). This sequence change affects codon 1745 of the SMCHD1 mRNA. It is a 'silent' change, meaning that it does not change the encoded amino acid sequence of the SMCHD1 protein.